The following is an entry in ClinVar:

ClinVar aggregate classification (germline): Benign/Likely benign. Review status: criteria provided, multiple submitters, no conflicts (2 of 4 stars). 9 submissions from 9 submitters: Benign (4); Likely benign (3). 2 of the submissions do not count toward it. Last evaluated 2026-09-01.

Conditions:
Autosomal systemic lupus erythematosus type 16. Also called: Systemic lupus erythematosus 16. Identifiers: Orphanet 300345, MedGen C3280742, MONDO:0013743, OMIM 614420.

Allele frequency attached by ClinVar (database versions not stated): 1000 Genomes Project 0.00020; 1000 Genomes Project 30x 0.00047; gnomAD exomes 0.00163 and 0.00232; TOPMed 0.00166; gnomAD 0.00172 and 0.00175; ExAC 0.00173; ESP Exome Variant Server 0.00192.
gnomAD v4.1: 3,631 of 1,611,434 alleles (0.23%); highest among the groups gnomAD compares: Non-Finnish European, 0.28%; 16 homozygotes.

Submissions (9):

CeGaT Center for Human Genetics Tuebingen
Classification: Likely benign. Last evaluated: 2026-09-01. Review status: criteria provided, single submitter. Criteria: CeGaT Center For Human Genetics Tuebingen Variant Classification Criteria Version 2. Collection method: clinical testing. Allele origin: germline. Affected: yes. Observed: 9 variant alleles.
Comment: DNASE1L3: BP4, BP7, BS2

Labcorp Genetics (formerly Invitae), Labcorp
Classification: Benign. Last evaluated: 2026-02-02. Review status: criteria provided, single submitter. Criteria: Invitae Variant Classification Sherloc (09022015). Collection method: clinical testing. Allele origin: germline.

Mayo Clinic Laboratories, Mayo Clinic
Classification: Benign. Last evaluated: 2025-04-28. Review status: criteria provided, single submitter. Criteria: ACMG Guidelines, 2015. Collection method: clinical testing. Allele origin: germline. Observed: 1 variant allele.
Comment: BS1, BS2, BP4, BP7

Women's Health and Genetics/Laboratory Corporation of America, LabCorp
Classification: Benign. Last evaluated: 2025-02-28. Review status: criteria provided, single submitter. Criteria: LabCorp Variant Classification Summary - May 2015. Collection method: clinical testing. Allele origin: germline.

Blueprint Genetics
Classification: Likely benign. Last evaluated: 2024-11-19. Review status: criteria provided, single submitter. Criteria: ACMG Guidelines, 2015. Collection method: clinical testing. Allele origin: germline.

Fulgent Genetics
Classification: Likely benign for Autosomal systemic lupus erythematosus type 16. Last evaluated: 2021-10-14. Review status: criteria provided, single submitter. Criteria: ACMG Guidelines, 2015. Collection method: clinical testing. Allele origin: unknown.

Breakthrough Genomics
Classification: Benign. Review status: criteria provided, single submitter. Criteria: ACMG Guidelines, 2015. Collection method: not provided. Allele origin: germline. Inheritance: Autosomal recessive inheritance. Affected: yes.

Clinical Genetics DNA and cytogenetics Diagnostics Lab, Erasmus MC, Erasmus Medical Center
Classification: Likely benign. Review status: no assertion criteria provided. Collection method: clinical testing. Allele origin: germline. Affected: yes. Study: VKGL Data-share Consensus. Not counted in ClinVar's aggregate classification.

Genome Diagnostics Laboratory, University Medical Center Utrecht
Classification: Likely benign. Review status: no assertion criteria provided. Collection method: clinical testing. Allele origin: germline. Affected: yes. Study: VKGL Data-share Consensus. Not counted in ClinVar's aggregate classification.

NM_004944.4(DNASE1L3):c.543G>A (p.Ala181=)

Gene: DNASE1L3 (deoxyribonuclease 1L3; minus strand). Cytogenetic location: 3p14.3.
Variant type: single nucleotide variant.
Coding change: c.543G>A on transcript NM_004944.4 (MANE Select); coding-DNA position 543, G replaced by A.
Protein change: p.Ala181=; no amino-acid change (alanine 181 retained).
Molecular consequence: synonymous variant.
Genome position (GRCh38, 1-based): chr3:58,201,000, C>T on the plus strand (G>A on the coding strand, the complement: DNASE1L3 is on the minus strand). VCF-style: chr3-58201000-C-T. GRCh37 (hg19) VCF-style: chr3-58186727-C-T.
Other names: p.Ala181=; c.453G>A, p.Ala151= (NM_001256560.2).
Identifiers: ClinVar variation 773866 (VCV000773866.43), dbSNP rs61730077, ClinGen allele CA2469947.